The following is an entry in ClinVar:

NM_000465.4(BARD1):c.2026T>G (p.Tyr676Asp)

Gene: BARD1 (BRCA1 associated RING domain 1; minus strand). Cytogenetic location: 2q35.
Variant type: single nucleotide variant.
Coding change: c.2026T>G on transcript NM_000465.4 (MANE Select); coding-DNA position 2026, T replaced by G.
Protein change: p.Tyr676Asp; replaces tyrosine 676 with aspartic acid.
Molecular consequence: missense variant. On other transcripts: non-coding transcript variant (3).
Genome position (GRCh38, 1-based): chr2:214,728,984, A>C on the plus strand (T>G on the coding strand, the complement: BARD1 is on the minus strand). VCF-style: chr2-214728984-A-C. GRCh37 (hg19) VCF-style: chr2-215593708-A-C.
Other names: c.1969T>G, p.Tyr657Asp (NM_001282543.2); c.673T>G, p.Tyr225Asp (NM_001282545.2); c.616T>G, p.Tyr206Asp (NM_001282548.2); c.487T>G, p.Tyr163Asp (NM_001282549.2); short protein forms Y657D, Y163D, Y206D, Y225D, Y676D.
Identifiers: ClinVar variation 2774772 (VCV002774772.2), dbSNP rs1553612227, ClinGen allele CA350450777.

ClinVar aggregate classification (germline): Uncertain significance (1 of 4 stars; one submission).

Conditions:
Hereditary cancer-predisposing syndrome. Also called: Neoplastic Syndromes, Hereditary; Tumor predisposition; Hereditary Cancer Syndrome; Hereditary neoplastic syndrome. Identifiers: Orphanet 140162, MedGen C0027672, MeSH D009386, MONDO:0015356.

Submission:

Color Diagnostics, LLC DBA Color Health
Classification: Uncertain significance for Hereditary cancer-predisposing syndrome. Last evaluated: 2024-03-06. Review status: criteria provided, single submitter. Criteria: ACMG Guidelines, 2015. Collection method: clinical testing. Allele origin: germline.
Comment: This missense variant replaces tyrosine with aspartic acid at codon 676 of the BARD1 protein. Computational prediction suggests that this variant may not impact protein structure and function (internally defined REVEL score threshold <= 0.5, PMID: 27666373). To our knowledge, functional studies have not been reported for this variant. This variant has not been reported in individuals affected with hereditary cancer in the literature. This variant has not been identified in the general population by the Genome Aggregation Database (gnomAD). The available evidence is insufficient to determine the role of this variant in disease conclusively. Therefore, this variant is classified as a Variant of Uncertain Significance.